The following is an entry in ClinVar:

NM_005544.3(IRS1):c.3474A>C (p.Gly1158=)

Gene: IRS1 (insulin receptor substrate 1; minus strand). Cytogenetic location: 2q36.3.
Variant type: single nucleotide variant.
Coding change: c.3474A>C on transcript NM_005544.3 (MANE Select); coding-DNA position 3474, A replaced by C.
Protein change: p.Gly1158=; no amino-acid change (glycine 1158 retained).
Molecular consequence: synonymous variant.
Genome position (GRCh38, 1-based): chr2:226,795,265, T>G on the plus strand (A>C on the coding strand, the complement: IRS1 is on the minus strand). VCF-style: chr2-226795265-T-G. GRCh37 (hg19) VCF-style: chr2-227659981-T-G.
Identifiers: ClinVar variation 4821719 (VCV004821719.4).

ClinVar aggregate classification (germline): Likely benign (1 of 4 stars; one submission).

Submission:

CeGaT Center for Human Genetics Tuebingen
Classification: Likely benign. Last evaluated: 2026-03-01. Review status: criteria provided, single submitter. Criteria: CeGaT Center For Human Genetics Tuebingen Variant Classification Criteria Version 2. Collection method: clinical testing. Allele origin: germline. Affected: yes. Observed: 1 variant allele.
Comment: IRS1: PM2:Supporting, BP4, BP7